The following is an entry in ClinVar:

NM_001142864.4(PIEZO1):c.918C>T (p.Thr306=)

Genes: HSALR1 (HSP90AB1 associated lncRNA 1; plus strand), PIEZO1 (piezo type mechanosensitive ion channel component 1 (Er blood group); minus strand). Cytogenetic location: 16q24.3.
Variant type: single nucleotide variant.
Coding change: c.918C>T on transcript NM_001142864.4 (MANE Select); coding-DNA position 918, C replaced by T.
Protein change: p.Thr306=; no amino-acid change (threonine 306 retained).
Molecular consequence: synonymous variant. On other transcripts: non-coding transcript variant (1).
Genome position (GRCh38, 1-based): chr16:88,738,036, G>A on the plus strand (C>T on the coding strand, the complement: PIEZO1 is on the minus strand). VCF-style: chr16-88738036-G-A. GRCh37 (hg19) VCF-style: chr16-88804444-G-A.
Other names: p.Thr306=.
Identifiers: ClinVar variation 4684157 (VCV004684157.2).

ClinVar aggregate classification (germline): Likely benign. Review status: criteria provided, multiple submitters, no conflicts (2 of 4 stars). 2 submissions from 2 submitters: Likely benign (2). Last evaluated 2024-11-07.

gnomAD v4.1: 28 of 1,535,732 alleles (0.0018%); highest among the groups gnomAD compares: East Asian, 0.012%; no homozygotes.

Submissions (2):

Mayo Clinic Laboratories, Mayo Clinic
Classification: Likely benign. Last evaluated: 2024-11-07. Review status: criteria provided, single submitter. Criteria: ACMG Guidelines, 2015. Collection method: clinical testing. Allele origin: germline. Observed: 1 variant allele.
Comment: BP4, BP7

Blueprint Genetics
Classification: Likely benign. Last evaluated: 2024-08-12. Review status: criteria provided, single submitter. Criteria: ACMG Guidelines, 2015. Collection method: clinical testing. Allele origin: germline.